The following is an entry in ClinVar:

NM_001256715.2(DNAAF3):c.86-49G>A

Genes: DNAAF3 (dynein axonemal assembly factor 3; minus strand), DNAAF3-AS1 (DNAAF3 antisense RNA 1; plus strand). Cytogenetic location: 19q13.42.
Variant type: single nucleotide variant.
Coding change: c.86-49G>A on transcript NM_001256715.2 (MANE Select); 49 bases into the intron before coding-DNA position 86, G replaced by A.
Molecular consequence: intron variant. On other transcripts: missense variant (1).
Genome position (GRCh38, 1-based): chr19:55,166,049, C>T on the plus strand (G>A on the coding strand, the complement: DNAAF3 is on the minus strand). VCF-style: chr19-55166049-C-T. GRCh37 (hg19) VCF-style: chr19-55677417-C-T.
Other names: c.241G>A, p.Asp81Asn (NM_001256714.1); c.227-49G>A (NM_178837.4); c.-153-49G>A (NM_001256716.2); short protein forms D81N.
Identifiers: ClinVar variation 2140912 (VCV002140912.3), dbSNP rs2085932939, ClinGen allele CA407462149.

ClinVar aggregate classification (germline): Uncertain significance (1 of 4 stars; one submission).

Conditions:
Primary ciliary dyskinesia. Also called: Ciliary dyskinesia. Identifiers: Orphanet 244, MedGen C0008780, MONDO:0016575, HP:0012265.

Allele frequency attached by ClinVar (database versions not stated): TOPMed below 0.00001; gnomAD exomes 0.00001.
gnomAD v4.1: 3 of 1,614,018 alleles (0.00019%); highest among the groups gnomAD compares: Non-Finnish European, 0.00025%; no homozygotes.

Submission:

Labcorp Genetics (formerly Invitae), Labcorp
Classification: Uncertain significance for Primary ciliary dyskinesia. Last evaluated: 2024-07-29. Review status: criteria provided, single submitter. Criteria: Invitae Variant Classification Sherloc (09022015). Collection method: clinical testing. Allele origin: germline.
Comment: This sequence change replaces aspartic acid, which is acidic and polar, with asparagine, which is neutral and polar, at codon 81 of the DNAAF3 protein (p.Asp81Asn). This variant is not present in population databases (gnomAD no frequency). This variant has not been reported in the literature in individuals affected with DNAAF3-related conditions. ClinVar contains an entry for this variant (Variation ID: 2140912). An algorithm developed to predict the effect of missense changes on protein structure and function outputs the following: PolyPhen-2: "Benign". The asparagine amino acid residue is found in multiple mammalian species, which suggests that this missense change does not adversely affect protein function. In summary, the available evidence is currently insufficient to determine the role of this variant in disease. Therefore, it has been classified as a Variant of Uncertain Significance.